The following is an entry in ClinVar:

NM_022114.4(PRDM16):c.2061C>T (p.Gly687=)

Gene: PRDM16 (PR/SET domain 16; plus strand). Cytogenetic location: 1p36.32.
Variant type: single nucleotide variant.
Coding change: c.2061C>T on transcript NM_022114.4 (MANE Select); coding-DNA position 2061, C replaced by T.
Protein change: p.Gly687=; no amino-acid change (glycine 687 retained).
Molecular consequence: synonymous variant.
Genome position (GRCh38, 1-based): chr1:3,412,258, C>T. VCF-style: chr1-3412258-C-T. GRCh37 (hg19) VCF-style: chr1-3328822-C-T.
Other names: p.Gly687=; c.2061C>T, p.Gly687= (NM_199454.3).
Identifiers: ClinVar variation 2417711 (VCV002417711.9), dbSNP rs1480706485, ClinGen allele CA415777894.
Genomic context (GRCh38, chr1:3,412,258, plus strand): 5'-CTTCTATTCCCAGCACTCATTCTTCCCGCCACCCGACGAGCAGCTGCTGACTGCAACGGG[C>T]GCCGCCGGGGACTCCATCAAGGCCATCGCATCCATTGCCGAGAAGTACTTTGGCCCCGGC-3'
Protein context (NP_071397.3, residues 677-697): PPDEQLLTAT[Gly687=]AAGDSIKAIA

ClinVar aggregate classification (germline): Likely benign. Review status: criteria provided, multiple submitters, no conflicts (2 of 4 stars). 3 submissions from 3 submitters: Likely benign (3). Last evaluated 2025-06-05.

Conditions:
Left ventricular noncompaction 8 (LVNC8). Identifiers: Orphanet 154, Orphanet 54260, MedGen C3809288, MONDO:0014152, OMIM 615373.

Allele frequency attached by ClinVar (database versions not stated): gnomAD exomes below 0.00001.
gnomAD v4.1: 7 of 1,612,268 alleles (0.00043%); highest among the groups gnomAD compares: East Asian, 0.0045%; no homozygotes.

Submissions (3):

Mayo Clinic Laboratories, Mayo Clinic
Classification: Likely benign. Last evaluated: 2025-06-05. Review status: criteria provided, single submitter. Criteria: ACMG Guidelines, 2015. Collection method: clinical testing. Allele origin: germline. Observed: 1 variant allele.
Comment: BP4, BP7, PM2_supporting

Blueprint Genetics
Classification: Likely benign. Last evaluated: 2023-10-05. Review status: criteria provided, single submitter. Criteria: ACMG Guidelines, 2015. Collection method: clinical testing. Allele origin: germline.

Labcorp Genetics (formerly Invitae), Labcorp
Classification: Likely benign for Left ventricular noncompaction 8. Last evaluated: 2022-08-20. Review status: criteria provided, single submitter. Criteria: Invitae Variant Classification Sherloc (09022015). Collection method: clinical testing. Allele origin: germline.